The following is an entry in ClinVar:

NM_198994.3(TGM6):c.543G>T (p.Gln181His)

Gene: TGM6 (transglutaminase 6; plus strand). Cytogenetic location: 20p13.
Variant type: single nucleotide variant.
Coding change: c.543G>T on transcript NM_198994.3 (MANE Select); coding-DNA position 543, G replaced by T.
Protein change: p.Gln181His; replaces glutamine 181 with histidine.
Molecular consequence: missense variant.
Genome position (GRCh38, 1-based): chr20:2,396,624, G>T. VCF-style: chr20-2396624-G-T. GRCh37 (hg19) VCF-style: chr20-2377270-G-T.
Other names: c.543G>T, p.Gln181His (NM_001254734.2); short protein forms Q181H.
Identifiers: ClinVar variation 3897173 (VCV003897173.1).

ClinVar aggregate classification (germline): Uncertain significance (1 of 4 stars; one submission).

gnomAD v4.1: 7 of 1,614,124 alleles (0.00043%); highest among the groups gnomAD compares: Non-Finnish European, 0.00042%; no homozygotes.

Submission:

GeneDx
Classification: Uncertain significance. Last evaluated: 2024-11-05. Review status: criteria provided, single submitter. Criteria: GeneDx Variant Classification Process June 2021. Collection method: clinical testing. Allele origin: germline. Affected: yes.
Comment: Identified in a patient with ataxia, myoclonus, and epilepsy in the published literature (PMID: 28934387); Not observed at significant frequency in large population cohorts (gnomAD); In silico analysis supports that this missense variant has a deleterious effect on protein structure/function; In silico analysis supports a deleterious effect on splicing; This variant is associated with the following publications: (PMID: 28934387, 30670339)